The following is an entry in ClinVar:

NM_001080467.3(MYO5B):c.4445G>A (p.Arg1482Gln)

Genes: MYO5B (myosin VB; minus strand), SNHG22 (small nucleolar RNA host gene 22; plus strand). Cytogenetic location: 18q21.1.
Variant type: single nucleotide variant.
Coding change: c.4445G>A on transcript NM_001080467.3 (MANE Select); coding-DNA position 4445, G replaced by A.
Protein change: p.Arg1482Gln; replaces arginine 1482 with glutamine.
Molecular consequence: missense variant.
Genome position (GRCh38, 1-based): chr18:49,847,160, C>T on the plus strand (G>A on the coding strand, the complement: MYO5B is on the minus strand). VCF-style: chr18-49847160-C-T. GRCh37 (hg19) VCF-style: chr18-47373530-C-T.
Other names: short protein forms R1482Q.
Identifiers: ClinVar variation 327012 (VCV000327012.41), dbSNP rs201914259, ClinGen allele CA8960370.
Genomic context (GRCh38, chr18:49,847,160, plus strand): 5'-GCTGAAGGAGGGGCAGGCAGCATAGGGTGGCACAGAGGGTCCTTACCTGTCACCAGGTTC[C>T]GGATGAGGAGGGCCTCGTCCTCTTTGTGGTACTCCAGCATGCCCTGGAAATCCTTCTCTT-3'
Protein context (NP_001073936.1, residues 1472-1492): YHKEDEALLI[Arg1482Gln]NLVTDLKPQM

ClinVar aggregate classification (germline): Uncertain significance. Review status: criteria provided, multiple submitters, no conflicts (2 of 4 stars). 5 submissions from 5 submitters: Uncertain significance (5). Last evaluated 2026-02-10.

Conditions:
Inborn genetic diseases. Identifiers: MedGen C0950123, MeSH D030342.
MYO5B-related disorder. Also called: MYO5B-related condition.
Congenital microvillous atrophy (DIAR2). Also called: CONGENITAL FAMILIAL PROTRACTED DIARRHEA WITH ENTEROCYTE BRUSH-BORDER ABNORMALITIES; DAVIDSON DISEASE; Microvillus inclusion disease; Diarrhea 2 with microvillus atrophy, with or without cholestasis; MICROVILLUS ATROPHY, CONGENITAL. Identifiers: Orphanet 2290, MedGen C0341306, MONDO:0009635, OMIM 251850.

Allele frequency attached by ClinVar (database versions not stated): gnomAD 0.00011 and 0.00012; TOPMed 0.00013; gnomAD exomes 0.00015 and 0.00017; ExAC 0.00016; ESP Exome Variant Server 0.00047.
gnomAD v4.1: 258 of 1,613,976 alleles (0.016%); highest among the groups gnomAD compares: East Asian, 0.029%; no homozygotes.

Submissions (5):

PreventionGenetics, part of Exact Sciences
Classification: Uncertain significance for MYO5B-related condition. Last evaluated: 2026-02-10. Review status: criteria provided, single submitter. Criteria: ACMG Guidelines, 2015. Collection method: clinical testing. Allele origin: germline.
Comment: The MYO5B c.4445G>A variant is predicted to result in the amino acid substitution p.Arg1482Gln. To our knowledge, this variant has not been reported in the literature. This variant is reported in 0.030% of alleles in individuals of European (Non-Finnish) descent in gnomAD. At this time, the clinical significance of this variant is uncertain due to the absence of conclusive functional and genetic evidence.

Labcorp Genetics (formerly Invitae), Labcorp
Classification: Uncertain significance. Last evaluated: 2025-10-03. Review status: criteria provided, single submitter. Criteria: Invitae Variant Classification Sherloc (09022015). Collection method: clinical testing. Allele origin: germline.
Comment: This sequence change replaces arginine, which is basic and polar, with glutamine, which is neutral and polar, at codon 1482 of the MYO5B protein (p.Arg1482Gln). This variant is present in population databases (rs201914259, gnomAD 0.03%). This variant has not been reported in the literature in individuals affected with MYO5B-related conditions. ClinVar contains an entry for this variant (Variation ID: 327012). Invitae Evidence Modeling of protein sequence and biophysical properties (such as structural, functional, and spatial information, amino acid conservation, physicochemical variation, residue mobility, and thermodynamic stability) indicates that this missense variant is not expected to disrupt MYO5B protein function with a negative predictive value of 80%. In summary, the available evidence is currently insufficient to determine the role of this variant in disease. Therefore, it has been classified as a Variant of Uncertain Significance.

CeGaT Center for Human Genetics Tuebingen
Classification: Uncertain significance. Last evaluated: 2022-10-01. Review status: criteria provided, single submitter. Criteria: CeGaT Center For Human Genetics Tuebingen Variant Classification Criteria Version 2. Collection method: clinical testing. Allele origin: germline. Affected: yes. Observed: 1 variant allele.
Comment: MYO5B: PM2, BP4

Ambry Genetics
Classification: Uncertain significance for Inborn genetic diseases. Last evaluated: 2021-09-01. Review status: criteria provided, single submitter. Criteria: Ambry Variant Classification Scheme 2023. Collection method: clinical testing. Allele origin: germline.

Illumina Laboratory Services, Illumina
Classification: Uncertain significance for Congenital microvillous atrophy. Last evaluated: 2018-01-12. Review status: criteria provided, single submitter. Criteria: ICSL Variant Classification Criteria 13 December 2019. Collection method: clinical testing. Allele origin: germline.